The following is an entry in ClinVar:

NM_000535.7(PMS2):c.-1C>G

Gene: PMS2 (PMS1 homolog 2, mismatch repair system component; minus strand). Cytogenetic location: 7p22.1.
Variant type: single nucleotide variant.
Coding change: c.-1C>G on transcript NM_000535.7 (MANE Select); 1 bases upstream of the start codon, C replaced by G.
Molecular consequence: 5 prime UTR variant. On other transcripts: non-coding transcript variant (1).
Genome position (GRCh38, 1-based): chr7:6,009,020, G>C on the plus strand (C>G on the coding strand, the complement: PMS2 is on the minus strand). VCF-style: chr7-6009020-G-C. GRCh37 (hg19) VCF-style: chr7-6048651-G-C.
Other names: c.-401C>G (NM_001018040.1, NM_001322003.2, NM_001322013.2 and 5 more transcripts); c.-266C>G (NM_001322004.2, NM_001322010.2, NM_001406911.1); c.-596C>G (NM_001322005.2); c.-1C>G (NM_001322006.2, NM_001322014.2, NM_001406866.1 and 11 more transcripts); c.-216C>G (NM_001322007.2, NM_001406876.1, NM_001406896.1 and 2 more transcripts); c.-76C>G (NM_001322008.2); c.-591C>G (NM_001322009.2, NM_001406897.1); c.-885C>G (NM_001322011.2); and 19 more.
Identifiers: ClinVar variation 1784185 (VCV001784185.3), dbSNP rs369681753, ClinGen allele CA2580077216.

ClinVar aggregate classification (germline): Uncertain significance (1 of 4 stars; one submission).

Conditions:
Hereditary cancer-predisposing syndrome. Also called: Neoplastic Syndromes, Hereditary; Tumor predisposition; Hereditary Cancer Syndrome; Hereditary neoplastic syndrome. Identifiers: Orphanet 140162, MedGen C0027672, MeSH D009386, MONDO:0015356.

Submission:

Ambry Genetics
Classification: Uncertain significance for Hereditary cancer-predisposing syndrome. Last evaluated: 2024-08-06. Review status: criteria provided, single submitter. Criteria: Ambry Variant Classification Scheme 2023. Collection method: clinical testing. Allele origin: germline.
Comment: The c.-1C>G variant is located in the 5' untranslated region (5&rsquo; UTR) of the PMS2 gene. This variant results from a C to G substitution 1 bases upstream from the first translated codon. This nucleotide position is well conserved in available vertebrate species. Since supporting evidence is limited at this time, the clinical significance of this alteration remains unclear.